The following is an entry in ClinVar:

ClinVar aggregate classification (germline): Uncertain significance (1 of 4 stars; one submission).

Conditions:
Developmental and epileptic encephalopathy, 11 (DEE11). Also called: Early infantile epileptic encephalopathy 11. Identifiers: Orphanet 1934, MedGen C3150987, MONDO:0013388, OMIM 613721.
Seizures, benign familial infantile, 3 (BFIS3). Also called: CONVULSIONS, BENIGN FAMILIAL INFANTILE, 3; Familial neonatal seizures. Identifiers: Orphanet 140927, Orphanet 306, MedGen C1843140, MONDO:0011904, OMIM 607745.

Submission:

Labcorp Genetics (formerly Invitae), Labcorp
Classification: Uncertain significance for Seizures, benign familial infantile, 3; Developmental and epileptic encephalopathy, 11. Last evaluated: 2024-09-22. Review status: criteria provided, single submitter. Criteria: Invitae Variant Classification Sherloc (09022015). Collection method: clinical testing. Allele origin: germline.
Comment: This sequence change replaces leucine, which is neutral and non-polar, with valine, which is neutral and non-polar, at codon 1135 of the SCN2A protein (p.Leu1135Val). This variant is not present in population databases (gnomAD no frequency). This variant has not been reported in the literature in individuals affected with SCN2A-related conditions. Invitae Evidence Modeling of protein sequence and biophysical properties (such as structural, functional, and spatial information, amino acid conservation, physicochemical variation, residue mobility, and thermodynamic stability) has been performed for this missense variant. However, the output from this modeling did not meet the statistical confidence thresholds required to predict the impact of this variant on SCN2A protein function. In summary, the available evidence is currently insufficient to determine the role of this variant in disease. Therefore, it has been classified as a Variant of Uncertain Significance.

NM_001040142.2(SCN2A):c.3403C>G (p.Leu1135Val)

Gene: SCN2A (sodium voltage-gated channel alpha subunit 2; plus strand). Cytogenetic location: 2q24.3.
Variant type: single nucleotide variant.
Coding change: c.3403C>G on transcript NM_001040142.2 (MANE Select); coding-DNA position 3403, C replaced by G.
Protein change: p.Leu1135Val; replaces leucine 1135 with valine.
Molecular consequence: missense variant.
Genome position (GRCh38, 1-based): chr2:165,365,146, C>G. VCF-style: chr2-165365146-C-G. GRCh37 (hg19) VCF-style: chr2-166221656-C-G.
Other names: c.3403C>G, p.Leu1135Val (NM_001040143.2, NM_001371246.1, NM_001371247.1 and 1 more transcripts); short protein forms L1135V.
Identifiers: ClinVar variation 3756429 (VCV003756429.2).